The following is an entry in ClinVar:

ClinVar aggregate classification (germline): Uncertain significance (1 of 4 stars; one submission).

Conditions:
Charcot-Marie-Tooth disease dominant intermediate C (CMTDIC). Also called: CHARCOT-MARIE-TOOTH NEUROPATHY, DOMINANT INTERMEDIATE C. Identifiers: Orphanet 100045, MedGen C1842237, MONDO:0012012, OMIM 608323.

gnomAD v4.1: 3 of 1,613,998 alleles (0.00019%); highest among the groups gnomAD compares: Middle Eastern, 0.033%; no homozygotes.

Submission:

Labcorp Genetics (formerly Invitae), Labcorp
Classification: Uncertain significance for Charcot-Marie-Tooth disease dominant intermediate C. Last evaluated: 2024-08-04. Review status: criteria provided, single submitter. Criteria: Invitae Variant Classification Sherloc (09022015). Collection method: clinical testing. Allele origin: germline.
Comment: This sequence change replaces glutamic acid, which is acidic and polar, with aspartic acid, which is acidic and polar, at codon 379 of the YARS protein (p.Glu379Asp). This variant is present in population databases (no rsID available, gnomAD 0.01%). This variant has not been reported in the literature in individuals affected with YARS-related conditions. Advanced modeling of protein sequence and biophysical properties (such as structural, functional, and spatial information, amino acid conservation, physicochemical variation, residue mobility, and thermodynamic stability) performed at Invitae indicates that this missense variant is not expected to disrupt YARS protein function with a negative predictive value of 80%. In summary, the available evidence is currently insufficient to determine the role of this variant in disease. Therefore, it has been classified as a Variant of Uncertain Significance.

NM_003680.4(YARS1):c.1137G>T (p.Glu379Asp)

Gene: YARS1 (tyrosyl-tRNA synthetase 1; minus strand). Cytogenetic location: 1p35.1.
Variant type: single nucleotide variant.
Coding change: c.1137G>T on transcript NM_003680.4 (MANE Select); coding-DNA position 1137, G replaced by T.
Protein change: p.Glu379Asp; replaces glutamic acid 379 with aspartic acid.
Molecular consequence: missense variant.
Genome position (GRCh38, 1-based): chr1:32,781,051, C>A on the plus strand (G>T on the coding strand, the complement: YARS1 is on the minus strand). VCF-style: chr1-32781051-C-A. GRCh37 (hg19) VCF-style: chr1-33246652-C-A.
Other names: short protein forms E379D.
Identifiers: ClinVar variation 3713473 (VCV003713473.2).
Genomic context (GRCh38, chr1:32,781,051, plus strand): 5'-GAAACAGACAAACCTGACCCCAATCTGCCTCTCTGAGATGTGGTGAAAAATGAGTACCTT[C>A]TCCACAGTGATGATTTTCCCCACACGGATATCCAGCCGGGATGGGATGACCTCCTCTGGT-3'
Protein context (NP_003671.1, residues 369-389): DIRVGKIITV[Glu379Asp]KHPDADSLYV